The following is an entry in ClinVar:

ClinVar aggregate classification (germline): Uncertain significance. Review status: criteria provided, multiple submitters, no conflicts (2 of 4 stars). 4 submissions from 4 submitters: Uncertain significance (4). Last evaluated 2026-01-16.

Conditions:
Colorectal cancer, susceptibility to, 12 (CRCS12). Also called: COLORECTAL CANCER, SUSCEPTIBILITY TO, ON CHROMOSOME 12q24. Identifiers: Orphanet 220460, MedGen C3554460, MONDO:0014038, OMIM 615083.
Hereditary cancer-predisposing syndrome. Also called: Neoplastic Syndromes, Hereditary; Tumor predisposition; Hereditary neoplastic syndrome; Hereditary Cancer Syndrome. Identifiers: Orphanet 140162, MedGen C0027672, MeSH D009386, MONDO:0015356.

Allele frequency attached by ClinVar (database versions not stated): gnomAD exomes below 0.00001; ExAC 0.00001.
gnomAD v4.1: 2 of 1,614,004 alleles (0.00012%); highest among the groups gnomAD compares: East Asian, 0.0045%; no homozygotes.

Submissions (4):

Ambry Genetics
Classification: Uncertain significance for Hereditary cancer-predisposing syndrome. Last evaluated: 2026-01-16. Review status: criteria provided, single submitter. Criteria: Ambry Variant Classification Scheme 2023. Collection method: clinical testing. Allele origin: germline.
Comment: The p.L432V variant (also known as c.1294C>G), located in coding exon 13 of the POLE gene, results from a C to G substitution at nucleotide position 1294. The leucine at codon 432 is replaced by valine, an amino acid with highly similar properties. This amino acid position is highly conserved in available vertebrate species. In addition, the in silico prediction for this alteration is inconclusive. Since supporting evidence is limited at this time, the clinical significance of this alteration remains unclear.

Labcorp Genetics (formerly Invitae), Labcorp
Classification: Uncertain significance. Last evaluated: 2025-05-07. Review status: criteria provided, single submitter. Criteria: Invitae Variant Classification Sherloc (09022015). Collection method: clinical testing. Allele origin: germline.
Comment: This sequence change replaces leucine, which is neutral and non-polar, with valine, which is neutral and non-polar, at codon 432 of the POLE protein (p.Leu432Val). This variant is present in population databases (rs750475909, gnomAD 0.006%). This variant has not been reported in the literature in individuals affected with POLE-related conditions. ClinVar contains an entry for this variant (Variation ID: 473447). Invitae Evidence Modeling of protein sequence and biophysical properties (such as structural, functional, and spatial information, amino acid conservation, physicochemical variation, residue mobility, and thermodynamic stability) indicates that this missense variant is expected to disrupt POLE protein function with a positive predictive value of 80%. Studies have shown that this missense change is associated with inconclusive levels of altered splicing (internal data). In summary, the available evidence is currently insufficient to determine the role of this variant in disease. Therefore, it has been classified as a Variant of Uncertain Significance.

Baylor Genetics
Classification: Uncertain significance for Colorectal cancer, susceptibility to, 12. Last evaluated: 2023-08-22. Review status: criteria provided, single submitter. Criteria: ACMG Guidelines, 2015. Collection method: clinical testing. Allele origin: unknown.

GeneDx
Classification: Uncertain significance. Last evaluated: 2019-11-29. Review status: criteria provided, single submitter. Criteria: GeneDx Variant Classification Process June 2021. Collection method: clinical testing. Allele origin: germline. Affected: yes.
Comment: In silico analysis, which includes protein predictors and evolutionary conservation, supports a deleterious effect; Has not been previously published as pathogenic or benign to our knowledge; This variant is associated with the following publications: (PMID: 29338689)

NM_006231.4(POLE):c.1294C>G (p.Leu432Val)

Gene: POLE (DNA polymerase epsilon, catalytic subunit; minus strand). Cytogenetic location: 12q24.33.
Variant type: single nucleotide variant.
Coding change: c.1294C>G on transcript NM_006231.4 (MANE Select); coding-DNA position 1294, C replaced by G.
Protein change: p.Leu432Val; replaces leucine 432 with valine.
Molecular consequence: missense variant.
Genome position (GRCh38, 1-based): chr12:132,673,640, G>C on the plus strand (C>G on the coding strand, the complement: POLE is on the minus strand). VCF-style: chr12-132673640-G-C. GRCh37 (hg19) VCF-style: chr12-133250226-G-C.
Other names: c.1294C>G (NM_006231.2); short protein forms L432V.
Identifiers: ClinVar variation 473447 (VCV000473447.16), dbSNP rs750475909, ClinGen allele CA6894013.